The following is an entry in ClinVar:

NM_001371986.1(UNC80):c.942C>A (p.Ala314=)

Gene: UNC80 (unc-80 subunit of NALCN channel complex; plus strand). Cytogenetic location: 2q34.
Variant type: single nucleotide variant.
Coding change: c.942C>A on transcript NM_001371986.1 (MANE Select); coding-DNA position 942, C replaced by A.
Protein change: p.Ala314=; no amino-acid change (alanine 314 retained).
Molecular consequence: synonymous variant.
Genome position (GRCh38, 1-based): chr2:209,813,583, C>A. VCF-style: chr2-209813583-C-A. GRCh37 (hg19) VCF-style: chr2-210678307-C-A.
Other names: c.942C>A, p.Ala314= (NM_032504.2, NM_182587.4).
Identifiers: ClinVar variation 5041142 (VCV005041142.1).

ClinVar aggregate classification (germline): Likely benign (1 of 4 stars; one submission).

gnomAD v4.1: 1 of 1,550,864 alleles (0.000064%); no homozygotes.

Submission:

CeGaT Center for Human Genetics Tuebingen
Classification: Likely benign. Last evaluated: 2026-09-01. Review status: criteria provided, single submitter. Criteria: CeGaT Center For Human Genetics Tuebingen Variant Classification Criteria Version 2. Collection method: clinical testing. Allele origin: germline. Affected: yes. Observed: 1 variant allele.
Comment: UNC80: BP4, BP7